The following is an entry in ClinVar:

ClinVar aggregate classification (germline): Uncertain significance (1 of 4 stars; one submission).

Conditions:
Leber congenital amaurosis 13 (LCA13). Identifiers: MedGen C2675186, MONDO:0012990, OMIM 612712.

gnomAD v4.1: 10 of 1,614,056 alleles (0.00062%); highest among the groups gnomAD compares: Non-Finnish European, 0.00085%; no homozygotes.

Submission:

Labcorp Genetics (formerly Invitae), Labcorp
Classification: Uncertain significance for Leber congenital amaurosis 13. Last evaluated: 2025-12-15. Review status: criteria provided, single submitter. Criteria: Invitae Variant Classification Sherloc (09022015). Collection method: clinical testing. Allele origin: germline.
Comment: This sequence change replaces asparagine, which is neutral and polar, with aspartic acid, which is acidic and polar, at codon 89 of the RDH12 protein (p.Asn89Asp). This variant is not present in population databases (gnomAD no frequency). This variant has not been reported in the literature in individuals affected with RDH12-related conditions. Invitae Evidence Modeling of protein sequence and biophysical properties (such as structural, functional, and spatial information, amino acid conservation, physicochemical variation, residue mobility, and thermodynamic stability) indicates that this missense variant is not expected to disrupt RDH12 protein function with a negative predictive value of 80%. In summary, the available evidence is currently insufficient to determine the role of this variant in disease. Therefore, it has been classified as a Variant of Uncertain Significance.

NM_152443.3(RDH12):c.265A>G (p.Asn89Asp)

Genes: GPHN (gephyrin; plus strand), RDH12 (retinol dehydrogenase 12; plus strand). Cytogenetic location: 14q24.1.
Variant type: single nucleotide variant.
Coding change: c.265A>G on transcript NM_152443.3 (MANE Select); coding-DNA position 265, A replaced by G.
Protein change: p.Asn89Asp; replaces asparagine 89 with aspartic acid.
Molecular consequence: missense variant.
Genome position (GRCh38, 1-based): chr14:67,725,176, A>G. VCF-style: chr14-67725176-A-G. GRCh37 (hg19) VCF-style: chr14-68191893-A-G.
Other names: short protein forms N89D.
Identifiers: ClinVar variation 4742131 (VCV004742131.1).
Genomic context (GRCh38, chr14:67,725,176, plus strand): 5'-GCCTGCAGAGATGTACTGAAGGGGGAGTCTGCTGCCAGTGAAATCCGAGTGGATACAAAG[A>G]ACTCCCAGGTGCTGGTGCGGAAATTGGACCTATCCGACACCAAATCTATCCGAGCCTTTG-3'
Protein context (NP_689656.2, residues 79-99): AASEIRVDTK[Asn89Asp]SQVLVRKLDL